The following is an entry in ClinVar:

ClinVar aggregate classification (germline): Uncertain significance. Review status: criteria provided, multiple submitters, no conflicts (2 of 4 stars). 5 submissions from 5 submitters: Uncertain significance (5). Last evaluated 2024-03-28.

Conditions:
Hepatocellular carcinoma (HCC). Also called: Primary carcinoma of liver; HEPATOMA; LIVER CELL CARCINOMA. Identifiers: Orphanet 88673, MedGen C2239176, MONDO:0007256, OMIM 114550, HP:0001402.
Colorectal cancer. Also called: Colorectal cancer, somatic; Malignant Colorectal Neoplasm. Identifiers: MedGen C0346629, MONDO:0005575, OMIM 114500.
Gastric cancer. Also called: Stomach cancer; Malignant tumor of stomach. Identifiers: MedGen C0024623, MeSH D013274, MONDO:0001056, OMIM 613659, HP:0012126.
Desmoid disease, hereditary (DESMD). Also called: FIBROMATOSIS, FAMILIAL INFILTRATIVE. Identifiers: Orphanet 873, MedGen C1851124, OMIM 135290. Disease mechanism: loss of function.
Familial adenomatous polyposis 1 (FAP1). Also called: POLYPOSIS, ADENOMATOUS INTESTINAL; FAMILIAL ADENOMATOUS POLYPOSIS 1, ATTENUATED. Identifiers: MedGen C2713442, MONDO:0021056, OMIM 175100. Disease mechanism: loss of function.
Gastric adenocarcinoma and proximal polyposis of the stomach (GAPPS). Also called: POLYPOSIS, GASTRIC; Polyposis, gastric, Dos Santos and de Magalhaes 1980; Gastric Adenocarcinoma and Proximal Polyposis of the Stomach (GAPPS). Identifiers: Orphanet 314022, MedGen C4749917, MONDO:0017790, OMIM 619182.
Hereditary cancer-predisposing syndrome. Also called: Neoplastic Syndromes, Hereditary; Hereditary Cancer Syndrome; Hereditary neoplastic syndrome; Tumor predisposition. Identifiers: Orphanet 140162, MedGen C0027672, MeSH D009386, MONDO:0015356.

Submissions (5):

Fulgent Genetics
Classification: Uncertain significance for Colorectal cancer; Hepatocellular carcinoma; Desmoid disease, hereditary; Familial adenomatous polyposis 1; Gastric cancer; Gastric adenocarcinoma and proximal polyposis of the stomach. Last evaluated: 2024-03-28. Review status: criteria provided, single submitter. Criteria: ACMG Guidelines, 2015. Collection method: clinical testing. Allele origin: germline.

Ambry Genetics
Classification: Uncertain significance for Hereditary cancer-predisposing syndrome. Last evaluated: 2021-10-27. Review status: criteria provided, single submitter. Criteria: Ambry Variant Classification Scheme 2023. Collection method: clinical testing. Allele origin: germline.
Comment: The p.N809D variant (also known as c.2425A>G), located in coding exon 15 of the APC gene, results from an A to G substitution at nucleotide position 2425. The asparagine at codon 809 is replaced by aspartic acid, an amino acid with highly similar properties. This amino acid position is not well conserved in available vertebrate species. In addition, in silico predictors for this gene do not accurately predict pathogenicity. Since supporting evidence is limited at this time, the clinical significance of this alteration remains unclear.

Sema4
Classification: Uncertain significance for Hereditary cancer-predisposing syndrome. Last evaluated: 2021-08-23. Review status: criteria provided, single submitter. Criteria: Sema4 Curation Guidelines. Collection method: curation. Allele origin: germline.
Comment: The APC c.2425A>G (p.N809D) variant has not been reported in the literature to our knowledge. It was not observed in the large and broad cohorts of the Genome Aggregation Database (PMID: 32461654). This variant has been reported in ClinVar (Variation ID 821249). Functional studies have not been performed, and in silico predictions of the variant's effect on protein function are inconclusive. The evidence is insufficient to meet ACMG/AMP criteria for classifying the variant as benign or pathogenic. Thus, the clinical significance of this variant is currently uncertain.

Labcorp Genetics (formerly Invitae), Labcorp
Classification: Uncertain significance for Familial adenomatous polyposis 1. Last evaluated: 2021-02-18. Review status: criteria provided, single submitter. Criteria: Invitae Variant Classification Sherloc (09022015). Collection method: clinical testing. Allele origin: germline.
Comment: In summary, the available evidence is currently insufficient to determine the role of this variant in disease. Therefore, it has been classified as a Variant of Uncertain Significance. Algorithms developed to predict the effect of missense changes on protein structure and function (SIFT, PolyPhen-2, Align-GVGD) all suggest that this variant is likely to be tolerated, but these predictions have not been confirmed by published functional studies and their clinical significance is uncertain. This variant has not been reported in the literature in individuals with APC-related conditions. ClinVar contains an entry for this variant (Variation ID: 821249). This variant is not present in population databases (ExAC no frequency). This sequence change replaces asparagine with aspartic acid at codon 809 of the APC protein (p.Asn809Asp). The asparagine residue is moderately conserved and there is a small physicochemical difference between asparagine and aspartic acid.

Color Diagnostics, LLC DBA Color Health
Classification: Uncertain significance for Hereditary cancer-predisposing syndrome. Last evaluated: 2019-05-30. Review status: criteria provided, single submitter. Criteria: ACMG Guidelines, 2015. Collection method: clinical testing. Allele origin: germline.

NM_000038.6(APC):c.2425A>G (p.Asn809Asp)

Gene: APC (APC regulator of Wnt signaling pathway; plus strand). Cytogenetic location: 5q22.2.
Variant type: single nucleotide variant.
Coding change: c.2425A>G on transcript NM_000038.6 (MANE Select); coding-DNA position 2425, A replaced by G.
Protein change: p.Asn809Asp; replaces asparagine 809 with aspartic acid.
Molecular consequence: missense variant.
Genome position (GRCh38, 1-based): chr5:112,838,019, A>G. VCF-style: chr5-112838019-A-G. GRCh37 (hg19) VCF-style: chr5-112173716-A-G.
Other names: c.2425A>G, p.Asn809Asp (NM_001127510.3, NM_001354895.2); c.2371A>G, p.Asn791Asp (NM_001127511.3); c.2479A>G, p.Asn827Asp (NM_001354896.2); c.2455A>G, p.Asn819Asp (NM_001354897.2); c.2350A>G, p.Asn784Asp (NM_001354898.2); c.2341A>G, p.Asn781Asp (NM_001354899.2); c.2302A>G, p.Asn768Asp (NM_001354900.2); c.2248A>G, p.Asn750Asp (NM_001354901.2); and 5 more; short protein forms N718D, N781D, N649D, N708D, N750D, N791D, N809D, N819D.
Identifiers: ClinVar variation 821249 (VCV000821249.17), dbSNP rs1580621960, ClinGen allele CA16026659.